The following is an entry in ClinVar:

NM_002439.5(MSH3):c.1367A>C (p.Glu456Ala)

Gene: MSH3 (mutS homolog 3; plus strand). Cytogenetic location: 5q14.1.
Variant type: single nucleotide variant.
Coding change: c.1367A>C on transcript NM_002439.5 (MANE Select); coding-DNA position 1367, A replaced by C.
Protein change: p.Glu456Ala; replaces glutamic acid 456 with alanine.
Molecular consequence: missense variant.
Genome position (GRCh38, 1-based): chr5:80,725,479, A>C. VCF-style: chr5-80725479-A-C. GRCh37 (hg19) VCF-style: chr5-80021298-A-C.
Other names: short protein forms E456A.
Identifiers: ClinVar variation 860402 (VCV000860402.9), dbSNP rs1273771754, ClinGen allele CA360273394.

ClinVar aggregate classification (germline): Uncertain significance (1 of 4 stars; one submission).

Allele frequency attached by ClinVar (database versions not stated): gnomAD exomes below 0.00001.
gnomAD v4.1: 1 of 1,613,960 alleles (0.000062%); highest among the groups gnomAD compares: East Asian, 0.0022%; no homozygotes.

Submission:

Labcorp Genetics (formerly Invitae), Labcorp
Classification: Uncertain significance. Last evaluated: 2022-07-19. Review status: criteria provided, single submitter. Criteria: Invitae Variant Classification Sherloc (09022015). Collection method: clinical testing. Allele origin: germline.
Comment: This variant has not been reported in the literature in individuals affected with MSH3-related conditions. This sequence change replaces glutamic acid, which is acidic and polar, with alanine, which is neutral and non-polar, at codon 456 of the MSH3 protein (p.Glu456Ala). This variant is present in population databases (no rsID available, gnomAD 0.006%). ClinVar contains an entry for this variant (Variation ID: 860402). Algorithms developed to predict the effect of missense changes on protein structure and function are either unavailable or do not agree on the potential impact of this missense change (SIFT: "Deleterious"; PolyPhen-2: "Probably Damaging"; Align-GVGD: "Class C0"). In summary, the available evidence is currently insufficient to determine the role of this variant in disease. Therefore, it has been classified as a Variant of Uncertain Significance.